The following is an entry in ClinVar:

NM_213607.3(DNAAF19):c.115C>T (p.Gln39Ter)

Gene: DNAAF19 (dynein axonemal assembly factor 19; plus strand). Cytogenetic location: 17q21.31.
Variant type: single nucleotide variant.
Coding change: c.115C>T on transcript NM_213607.3 (MANE Select); coding-DNA position 115, C replaced by T.
Protein change: p.Gln39Ter; replaces glutamine 39 with a stop codon.
Molecular consequence: nonsense.
Genome position (GRCh38, 1-based): chr17:44,901,113, C>T. VCF-style: chr17-44901113-C-T. GRCh37 (hg19) VCF-style: chr17-42978481-C-T.
Other names: c.115C>T, p.Gln39Ter (NM_001258395.2, NM_001258396.2, NM_001258397.3 and 2 more transcripts); short protein forms Q39*.
Identifiers: ClinVar variation 411696 (VCV000411696.16), dbSNP rs1060503433, ClinGen allele CA16615444.

ClinVar aggregate classification (germline): Pathogenic. Review status: criteria provided, multiple submitters, no conflicts (2 of 4 stars). 2 submissions from 2 submitters: Pathogenic (2). Last evaluated 2016-10-25.

Conditions:
Primary ciliary dyskinesia. Also called: Ciliary dyskinesia. Identifiers: Orphanet 244, MedGen C0008780, MONDO:0016575, HP:0012265.

Allele frequency attached by ClinVar (database versions not stated): gnomAD exomes below 0.00001.
gnomAD v4.1: 1 of 1,607,998 alleles (0.000062%); highest among the groups gnomAD compares: South Asian, 0.0011%; no homozygotes.

Submissions (2):

Ambry Genetics
Classification: Pathogenic for Primary ciliary dyskinesia. Last evaluated: 2016-10-25. Review status: criteria provided, single submitter. Criteria: Ambry Variant Classification Scheme 2023. Collection method: clinical testing. Allele origin: germline.
Comment: The p.Q39* pathogenic mutation (also known as c.115C>T), located in coding exon 1 of the CCDC103 gene, results from a C to T substitution at nucleotide position 115. This changes the amino acid from a glutamine to a stop codon within coding exon 1. This alteration is expected to result in loss of function by premature protein truncation or nonsense-mediated mRNA decay. As such, this alteration is interpreted as a disease-causing mutation.

Labcorp Genetics (formerly Invitae), Labcorp
Classification: Pathogenic for Primary ciliary dyskinesia. Last evaluated: 2016-08-16. Review status: criteria provided, single submitter. Criteria: Invitae Variant Classification Sherloc (09022015). Collection method: clinical testing. Allele origin: germline.
Comment: For these reasons, this variant has been classified as Pathogenic. While this particular variant has not been reported in the literature, truncating variants in CCDC103 are known to be pathogenic (PMID: 22581229). This sequence change creates a premature translational stop signal at codon 39 (p.Gln39*) of the CCDC103 gene. It is expected to result in an absent or disrupted protein product.

Literature cited by the submitters: PubMed 22581229 (cited by Labcorp Genetics (formerly Invitae), Labcorp).